The following is an entry in ClinVar:

NM_007294.4(BRCA1):c.2155A>G (p.Lys719Glu)

Gene: BRCA1 (BRCA1 DNA repair associated; minus strand). Cytogenetic location: 17q21.31.
Variant type: single nucleotide variant.
Coding change: c.2155A>G on transcript NM_007294.4 (MANE Select); coding-DNA position 2155, A replaced by G.
Protein change: p.Lys719Glu; replaces lysine 719 with glutamic acid.
Molecular consequence: missense variant. On other transcripts: intron variant (137).
Genome position (GRCh38, 1-based): chr17:43,093,376, T>C on the plus strand (A>G on the coding strand, the complement: BRCA1 is on the minus strand). VCF-style: chr17-43093376-T-C. GRCh37 (hg19) VCF-style: chr17-41245393-T-C.
Other names: p.K719E:AAA>GAA; NM_007294.4(BRCA1):c.2155A>G; p.Lys719Glu; c.1942A>G, p.Lys648Glu (NM_001407571.1, NM_001407853.1, NM_001407894.1 and 9 more transcripts); c.2155A>G, p.Lys719Glu (NM_001407581.1, NM_001407582.1, NM_001407583.1 and 30 more transcripts); c.2152A>G, p.Lys718Glu (NM_001407587.1, NM_001407590.1, NM_001407591.1 and 22 more transcripts); c.2146A>G, p.Lys716Glu (NM_001407646.1, NM_001407647.1); c.2032A>G, p.Lys678Glu (NM_001407648.1, NM_001407664.1, NM_001407665.1 and 19 more transcripts); and 44 more; short protein forms K672E, K551E, K630E, K649E, K671E, K677E, K678E, K692E.
Identifiers: ClinVar variation 37452 (VCV000037452.51), dbSNP rs80357147, ClinGen allele CA001442.

ClinVar aggregate classification (germline): Benign. Review status: reviewed by expert panel (3 of 4 stars). 18 submissions from 18 submitters: Benign (1). 17 of the submissions do not count toward it. Last evaluated 2024-06-11.

Conditions:
BRCA1-related disorder. Also called: BRCA1-related condition.
BRCA1-related cancer predisposition. Identifiers: MedGen CN377757, MONDO:0700268.
Breast and/or ovarian cancer. Identifiers: MedGen CN221562.
Hereditary cancer-predisposing syndrome. Also called: Tumor predisposition; Neoplastic Syndromes, Hereditary; Hereditary Cancer Syndrome; Hereditary neoplastic syndrome. Identifiers: Orphanet 140162, MedGen C0027672, MeSH D009386, MONDO:0015356.
Hereditary breast ovarian cancer syndrome. Also called: Hereditary breast and ovarian cancer syndrome (HBOC); Hereditary breast and ovarian cancer syndrome; Hereditary breast and ovarian cancer; Hereditary breast and/or ovarian cancer syndrome; Breast and ovarian cancer; BRCA1- and BRCA2-Associated Hereditary Breast and Ovarian Cancer. Identifiers: Orphanet 145, MedGen C0677776, MeSH D061325, MONDO:0003582. Disease mechanism: loss of function.
Breast-ovarian cancer, familial, susceptibility to, 1 (BROVCA1). Also called: OVARIAN CANCER, SUSCEPTIBILITY TO; BRCA1 Hereditary Breast and Ovarian Cancer. Identifiers: Orphanet 145, MedGen C2676676, MONDO:0011450, OMIM 604370. Disease mechanism: loss of function.

Allele frequency attached by ClinVar (database versions not stated): gnomAD exomes 0.00002 and 0.00004; ExAC 0.00004; 1000 Genomes Project 30x 0.00016; gnomAD 0.00019 and 0.00021; 1000 Genomes Project 0.00020; TOPMed 0.00023; ESP Exome Variant Server 0.00038.
gnomAD v4.1: 67 of 1,614,060 alleles (0.0042%); highest among the groups gnomAD compares: African/African-American, 0.085%; no homozygotes.

Submissions 1 to 9 of 18:

ClinGen ENIGMA BRCA1 and BRCA2 Variant Curation Expert Panel, ClinGen
Classification: Benign for BRCA1-related cancer predisposition. Last evaluated: 2024-06-11. Review status: reviewed by expert panel. Criteria: CSpec BRCA1/2ACMG Rules Specifications V1.0. Collection method: curation. Allele origin: germline. Inheritance: Autosomal dominant inheritance.
Comment: The c.2155A>G variant in BRCA1 is a missense variant predicted to cause substitution of Lysine by Glutamic acid at amino acid 719 (p.Lys719Glu). The highest non-cancer, non-founder population filter allele frequency in gnomAD v2.1 (exomes only, non-cancer subset, read depth >=20) or gnomAD v3.1 (non-cancer subset, read depth >=20) is 0.0003 in the African/African American population, which is above the ENIGMA BRCA1/2 VCEP threshold (>0.0001) for BS1, and below the BA1 threshold (>0.001) (BS1 met). This missense variant is located outside of a key functional domain and was not predicted to alter mRNA splicing using the SpliceAI predictor (score 0.01, score threshold <0.1) (BP1_Strong met). Multifactorial likelihood ratio analysis using clinically calibrated data produced a combined LR for this variant of 0.0000515 (based on Family History LR= 0.0000515), below the thresholds for very strong benign evidence (LR <0.00285) (BP5_Very strong met; PMID: 31853058). In summary, this variant meets the criteria to be classified as a Benign variant for BRCA1-related cancer predisposition based on the ACMG/AMP criteria applied as specified by the ENIGMA BRCA1/2 VCEP (BS1, BP1_Strong, BP5_Very strong).

Labcorp Genetics (formerly Invitae), Labcorp
Classification: Likely benign for Hereditary breast ovarian cancer syndrome. Last evaluated: 2026-01-28. Review status: criteria provided, single submitter. Criteria: Invitae Variant Classification Sherloc (09022015). Collection method: clinical testing. Allele origin: germline. Not counted in ClinVar's aggregate classification.

Women's Health and Genetics/Laboratory Corporation of America, LabCorp
Classification: Likely benign. Last evaluated: 2025-09-02. Review status: criteria provided, single submitter. Criteria: LabCorp Variant Classification Summary - May 2015. Collection method: clinical testing. Allele origin: germline. Not counted in ClinVar's aggregate classification.
Comment: Variant summary: BRCA1 c.2155A>G (p.Lys719Glu) results in a conservative amino acid change in the encoded protein sequence. Algorithms developed to predict the effect of missense changes on protein structure and function all suggest that this variant is likely to be tolerated. The variant allele was found at a frequency of 2.7e-05 in 1461928 control chromosomes, predominantly at a frequency of 0.001 within the African or African-American subpopulation in the gnomAD database. Additionally, the variant was reported in 5/2559 African American women (i.e. with an allele frequency of about 0.001), who were older than age 70, and have never had cancer (in the FLOSSIES database), suggesting that the variant might be a benign polymorphism. c.2155A>G, has been reported in the literature in individuals affected with or without a family history of Breast and Ovarian Cancer (Judkins_2005, Pal_2015, Abe_2019). These reports do not provide unequivocal conclusions about association of the variant with Hereditary Breast and Ovarian Cancer. To our knowledge, no experimental evidence demonstrating an impact on protein function has been reported. The following publications have been ascertained in the context of this evaluation (PMID: 30883245, 16267036, 26287763, 15385441). ClinVar contains an entry for this variant (Variation ID: 37452). Based on the evidence outlined above, the variant was classified as likely benign.

All of Us Research Program, National Institutes of Health
Classification: Likely benign for BRCA1-related cancer predisposition. Last evaluated: 2024-09-23. Review status: criteria provided, single submitter. Criteria: ACMG Guidelines, 2015. Collection method: clinical testing. Allele origin: germline. Inheritance: Autosomal dominant inheritance. Observed: 15 variant alleles, 15 heterozygotes. Not counted in ClinVar's aggregate classification.
Comment: This study involves interpretation of variants in research participants for the purpose of population health screening. Participant phenotype was not available at the time of variant classification. Additional details can be found in publication PMID: 35346344, PMCID: PMC8962531

GeneDx
Classification: Uncertain significance. Last evaluated: 2023-10-26. Review status: criteria provided, single submitter. Criteria: GeneDx Variant Classification Process June 2021. Collection method: clinical testing. Allele origin: germline. Affected: yes. Not counted in ClinVar's aggregate classification.
Comment: In silico analysis supports that this missense variant does not alter protein structure/function; Observed in individuals with breast or pancreatic cancer (PMID: 26287763, 30883245); Also known as 2274A>G; This variant is associated with the following publications: (PMID: 16267036, 15385441, 28135145, 26287763, 30883245, 30603682, 15343273)

University of Washington Department of Laboratory Medicine, University of Washington
Classification: Likely benign for Hereditary cancer-predisposing syndrome. Last evaluated: 2023-03-23. Review status: criteria provided, single submitter. Criteria: Dines et al. (Genet Med. 2020). Collection method: curation. Allele origin: germline. Not counted in ClinVar's aggregate classification.
Comment: Missense variant in a coldspot region where missense variants are very unlikely to be pathogenic (PMID:31911673).

BRCA1 coldspot (exon 11 using historical exon numbering). Reclassification based on statistical prior probability

Ambry Genetics
Classification: Likely benign for Hereditary cancer-predisposing syndrome. Last evaluated: 2022-09-30. Review status: criteria provided, single submitter. Criteria: Ambry Variant Classification Scheme 2023. Collection method: clinical testing. Allele origin: germline. Not counted in ClinVar's aggregate classification.

Genetic Services Laboratory, University of Chicago
Classification: Uncertain significance. Last evaluated: 2021-10-06. Review status: criteria provided, single submitter. Criteria: ACMG Guidelines, 2015. Collection method: clinical testing. Allele origin: germline. Affected: no. Not counted in ClinVar's aggregate classification.
Comment: This sequence change does not appear to have been previously described in individuals with BRCA1-related disorders. This sequence change has been described in the gnomAD database with a frequency of 0.080% in the African subpopulation (dbSNP rs80357147). The p.Lys719Glu change affects a poorly conserved amino acid residue located in a domain of the BRCA1 protein that is known to be functional. The p.Lys719Glu substitution appears to be benign using several in-silico pathogenicity prediction tools (SIFT, PolyPhen2, Align GVGD, REVEL). Due to insufficient evidence and the lack of functional studies, the clinical significance of the p.Lys719Glu change remains unknown at this time.

Sema4
Classification: Uncertain significance for Hereditary cancer-predisposing syndrome. Last evaluated: 2021-09-27. Review status: criteria provided, single submitter. Criteria: Sema4 Curation Guidelines. Collection method: curation. Allele origin: germline. Not counted in ClinVar's aggregate classification.
Comment: The BRCA1 c.2155A>G (p.K719E) variant has been reported in heterozygosity in at least one individual with a personal history of breast cancer and in an individual from a cohort of high-risk pancreatic cancer families (PMID: 26287763, 30883245). These reports do not provide conclusive evidence about association of the variant with hereditary cancer. This variant was observed in 20/24898 chromosomes in the African/African American population, with no homozygotes, according to the Genome Aggregation Database (PMID: 32461654), and has been reported in ClinVar (Variation ID: 37452). Functional studies have not been performed, and in silico predictions of the variant's effect on protein function are inconclusive. Based on the current evidence available, this variant is interpreted as a variant of uncertain significance.